The following is an entry in ClinVar:

ClinVar aggregate classification (germline): Uncertain significance (1 of 4 stars; one submission).

Conditions:
Dyskeratosis congenita. Identifiers: Orphanet 1775, MedGen C0265965, MONDO:0015780.

Submission:

Labcorp Genetics (formerly Invitae), Labcorp
Classification: Uncertain significance for Dyskeratosis congenita. Last evaluated: 2021-12-13. Review status: criteria provided, single submitter. Criteria: Invitae Variant Classification Sherloc (09022015). Collection method: clinical testing. Allele origin: germline.
Comment: This sequence change replaces glutamic acid, which is acidic and polar, with aspartic acid, which is acidic and polar, at codon 408 of the TINF2 protein (p.Glu408Asp). This variant is not present in population databases (gnomAD no frequency). This variant has not been reported in the literature in individuals affected with TINF2-related conditions. ClinVar contains an entry for this variant (Variation ID: 1041635). Algorithms developed to predict the effect of missense changes on protein structure and function output the following: SIFT: "Tolerated"; PolyPhen-2: "Benign"; Align-GVGD: "Class C0". The aspartic acid amino acid residue is found in multiple mammalian species, which suggests that this missense change does not adversely affect protein function. In summary, the available evidence is currently insufficient to determine the role of this variant in disease. Therefore, it has been classified as a Variant of Uncertain Significance.

NM_001099274.3(TINF2):c.1224A>C (p.Glu408Asp)

Gene: TINF2 (TERF1 interacting nuclear factor 2; minus strand). Cytogenetic location: 14q12.
Variant type: single nucleotide variant.
Coding change: c.1224A>C on transcript NM_001099274.3 (MANE Select); coding-DNA position 1224, A replaced by C.
Protein change: p.Glu408Asp; replaces glutamic acid 408 with aspartic acid.
Molecular consequence: missense variant. On other transcripts: 3 prime UTR variant (1).
Genome position (GRCh38, 1-based): chr14:24,239,929, T>G on the plus strand (A>C on the coding strand, the complement: TINF2 is on the minus strand). VCF-style: chr14-24239929-T-G. GRCh37 (hg19) VCF-style: chr14-24709135-T-G.
Other names: c.1119A>C, p.Glu373Asp (NM_001363668.2); c.*486A>C (NM_012461.3); short protein forms E373D, E408D.
Identifiers: ClinVar variation 1041635 (VCV001041635.6), dbSNP rs2040530178, ClinGen allele CA389220439.